The following is an entry in ClinVar:

NM_001009944.3(PKD1):c.163G>C (p.Gly55Arg)

Gene: PKD1 (polycystin 1, transient receptor potential channel interacting; minus strand). Cytogenetic location: 16p13.3.
Variant type: single nucleotide variant.
Coding change: c.163G>C on transcript NM_001009944.3 (MANE Select); coding-DNA position 163, G replaced by C.
Protein change: p.Gly55Arg; replaces glycine 55 with arginine.
Molecular consequence: missense variant.
Genome position (GRCh38, 1-based): chr16:2,135,527, C>G on the plus strand (G>C on the coding strand, the complement: PKD1 is on the minus strand). VCF-style: chr16-2135527-C-G. GRCh37 (hg19) VCF-style: chr16-2185528-C-G.
Other names: c.163G>C, p.Gly55Arg (NM_000296.4); short protein forms G55R.
Identifiers: ClinVar variation 3895841 (VCV003895841.1).
Genomic context (GRCh38, chr16:2,135,527, plus strand): 5'-CTACTCACAGCGCTGTGGCGTCCGCGGGGATGCGCAGCGCGGGACCGAGCGTCCGCAGCC[C>G]GCGGCCCGAGCAGTTGACGCGGCAGGCGGCGCCGGGCGCTGGGCCGCAGAGGCAGGGGGG-3'
Protein context (NP_001009944.3, residues 45-65): AACRVNCSGR[Gly55Arg]LRTLGPALRI

ClinVar aggregate classification (germline): Uncertain significance (1 of 4 stars; one submission).

gnomAD v4.1: 1 of 1,162,976 alleles (0.000086%); highest among the groups gnomAD compares: Admixed American, 0.0047%; no homozygotes.

Submission:

Women's Health and Genetics/Laboratory Corporation of America, LabCorp
Classification: Uncertain significance. Last evaluated: 2025-03-04. Review status: criteria provided, single submitter. Criteria: LabCorp Variant Classification Summary - May 2015. Collection method: clinical testing. Allele origin: germline.
Comment: Variant summary: PKD1 c.163G>C (p.Gly55Arg) results in a non-conservative amino acid change in the encoded protein sequence. Four of five in-silico tools predict a benign effect of the variant on protein function. The frequency data for this variant in gnomAD is considered unreliable, as metrics indicate poor data quality at this position. To our knowledge, no occurrence of c.163G>C in individuals affected with Polycystic Kidney Disease 1 and no experimental evidence demonstrating its impact on protein function have been reported. No submitters have cited clinical-significance assessments for this variant to ClinVar. Based on the evidence outlined above, the variant was classified as uncertain significance.